The following is an entry in ClinVar:

ClinVar aggregate classification (germline): Uncertain significance (1 of 4 stars; one submission).

Submission:

Labcorp Genetics (formerly Invitae), Labcorp
Classification: Uncertain significance. Last evaluated: 2021-10-20. Review status: criteria provided, single submitter. Criteria: Invitae Variant Classification Sherloc (09022015). Collection method: clinical testing. Allele origin: germline.
Comment: In summary, the available evidence is currently insufficient to determine the role of this variant in disease. Therefore, it has been classified as a Variant of Uncertain Significance. Variants that disrupt the consensus splice site are a relatively common cause of aberrant splicing (PMID: 17576681, 9536098). Algorithms developed to predict the effect of sequence changes on RNA splicing suggest that this variant may disrupt the consensus splice site. Algorithms developed to predict the effect of missense changes on protein structure and function are either unavailable or do not agree on the potential impact of this missense change (SIFT: "Deleterious"; PolyPhen-2: "Possibly Damaging"; Align-GVGD: "Class C0"). This variant has not been reported in the literature in individuals affected with KIAA0753-related conditions. This variant is not present in population databases (ExAC no frequency). This sequence change replaces glutamine with histidine at codon 31 of the KIAA0753 protein (p.Gln31His). The glutamine residue is highly conserved and there is a small physicochemical difference between glutamine and histidine. This variant also falls at the last nucleotide of exon 2, which is part of the consensus splice site for this exon.

Literature cited by the submitters: PubMed 17576681; PubMed 9536098.

NM_014804.3(KIAA0753):c.93G>C (p.Gln31His)

Gene: KIAA0753 (KIAA0753; minus strand). Cytogenetic location: 17p13.1.
Variant type: single nucleotide variant.
Coding change: c.93G>C on transcript NM_014804.3 (MANE Select); coding-DNA position 93, G replaced by C.
Protein change: p.Gln31His; replaces glutamine 31 with histidine.
Molecular consequence: missense variant. On other transcripts: 5 prime UTR variant (1), non-coding transcript variant (3).
Genome position (GRCh38, 1-based): chr17:6,635,011, C>G on the plus strand (G>C on the coding strand, the complement: KIAA0753 is on the minus strand). VCF-style: chr17-6635011-C-G. GRCh37 (hg19) VCF-style: chr17-6538331-C-G.
Other names: c.-1142G>C (NM_001351225.2); short protein forms Q31H.
Identifiers: ClinVar variation 1498116 (VCV001498116.6), dbSNP rs2150926699, ClinGen allele CA397716638.